The following is an entry in ClinVar:

NM_005491.5(MAMLD1):c.116T>C (p.Met39Thr)

Gene: MAMLD1 (mastermind like domain containing 1; plus strand). Cytogenetic location: Xq28.
Variant type: single nucleotide variant.
Coding change: c.116T>C on transcript NM_005491.5 (MANE Select); coding-DNA position 116, T replaced by C.
Protein change: p.Met39Thr; replaces methionine 39 with threonine.
Molecular consequence: missense variant. On other transcripts: intron variant (3).
Genome position (GRCh38, 1-based): chrX:150,462,791, T>C. VCF-style: chrX-150462791-T-C. GRCh37 (hg19) VCF-style: chrX-149631057-T-C.
Other names: c.116T>C, p.Met39Thr (NM_001400512.1, NM_001400513.1, NM_001400515.1); c.97-6954T>C (NM_001177466.3, NM_001400514.1, NM_001177465.3); short protein forms M39T.
Identifiers: ClinVar variation 3257417 (VCV003257417.17).
Genomic context (GRCh38, chrX:150,462,791, plus strand): 5'-GTGTGTGCAAGTGGCTCTCCTCAGCCTACTCTCACCCCCAGGGAAAGAAGCCCTCGTGGA[T>C]GGAGGAAGAAGATTTATCTTTTCTCTACAAGAGCAGCCCAGGAAGAAAGCATCAGGTAAG-3'
Protein context (NP_005482.2, residues 29-49): LQESGKKPSW[Met39Thr]EEEDLSFLYK

ClinVar aggregate classification (germline): Uncertain significance (1 of 4 stars; one submission).

Submission:

CeGaT Center for Human Genetics Tuebingen
Classification: Uncertain significance. Last evaluated: 2024-07-01. Review status: criteria provided, single submitter. Criteria: CeGaT Center For Human Genetics Tuebingen Variant Classification Criteria Version 2. Collection method: clinical testing. Allele origin: germline. Affected: yes. Observed: 1 variant allele.
Comment: MAMLD1: PM2, BP4